The following is an entry in ClinVar:

NM_015215.4(CAMTA1):c.629C>T (p.Thr210Met)

Gene: CAMTA1 (calmodulin binding transcription activator 1; plus strand). Cytogenetic location: 1p36.23.
Variant type: single nucleotide variant.
Coding change: c.629C>T on transcript NM_015215.4 (MANE Select); coding-DNA position 629, C replaced by T.
Protein change: p.Thr210Met; replaces threonine 210 with methionine.
Molecular consequence: missense variant.
Genome position (GRCh38, 1-based): chr1:7,640,518, C>T. VCF-style: chr1-7640518-C-T. GRCh37 (hg19) VCF-style: chr1-7700578-C-T.
Other names: c.539C>T, p.Thr180Met (NM_001349608.2, NM_001349612.2); c.629C>T, p.Thr210Met (NM_001349609.2, NM_001349610.2, NM_001410737.1); c.557C>T, p.Thr186Met (NM_001410738.1); short protein forms T186M, T210M, T180M.
Identifiers: ClinVar variation 5008773 (VCV005008773.1).

ClinVar aggregate classification (germline): Uncertain significance (1 of 4 stars; one submission).

gnomAD v4.1: 5 of 1,614,230 alleles (0.00031%); highest among the groups gnomAD compares: Non-Finnish European, 0.00034%; no homozygotes.

Submission:

GeneDx
Classification: Uncertain significance. Last evaluated: 2026-03-07. Review status: criteria provided, single submitter. Criteria: GeneDx Variant Classification Process June 2021. Collection method: clinical testing. Allele origin: germline.
Comment: Not observed at significant frequency in large population cohorts (gnomAD); In silico analysis supports that this missense variant has a deleterious effect on protein structure/function; Has not been previously published as pathogenic or benign to our knowledge